The following is an entry in ClinVar:

NM_152305.3(POGLUT1):c.1042A>C (p.Asn348His)

Gene: POGLUT1 (protein O-glucosyltransferase 1; plus strand). Cytogenetic location: 3q13.33.
Variant type: single nucleotide variant.
Coding change: c.1042A>C on transcript NM_152305.3 (MANE Select); coding-DNA position 1042, A replaced by C.
Protein change: p.Asn348His; replaces asparagine 348 with histidine.
Molecular consequence: missense variant. On other transcripts: non-coding transcript variant (1).
Genome position (GRCh38, 1-based): chr3:119,492,301, A>C. VCF-style: chr3-119492301-A-C. GRCh37 (hg19) VCF-style: chr3-119211148-A-C.
Other names: short protein forms N348H.
Identifiers: ClinVar variation 4694806 (VCV004694806.1).

ClinVar aggregate classification (germline): Uncertain significance (1 of 4 stars; one submission).

gnomAD v4.1: 14 of 1,605,480 alleles (0.00087%); highest among the groups gnomAD compares: Non-Finnish European, 0.0012%; no homozygotes.

Submission:

Labcorp Genetics (formerly Invitae), Labcorp
Classification: Uncertain significance. Last evaluated: 2025-08-04. Review status: criteria provided, single submitter. Criteria: Invitae Variant Classification Sherloc (09022015). Collection method: clinical testing. Allele origin: germline.
Comment: This sequence change replaces asparagine, which is neutral and polar, with histidine, which is basic and polar, at codon 348 of the POGLUT1 protein (p.Asn348His). This variant is present in population databases (no rsID available, gnomAD 0.0009%). This variant has not been reported in the literature in individuals affected with POGLUT1-related conditions. Invitae Evidence Modeling of protein sequence and biophysical properties (such as structural, functional, and spatial information, amino acid conservation, physicochemical variation, residue mobility, and thermodynamic stability) indicates that this missense variant is not expected to disrupt POGLUT1 protein function with a negative predictive value of 80%. In summary, the available evidence is currently insufficient to determine the role of this variant in disease. Therefore, it has been classified as a Variant of Uncertain Significance.